The following is an entry in ClinVar:

NM_001162501.2(TNRC6B):c.339G>A (p.Pro113=)

Gene: TNRC6B (trinucleotide repeat containing adaptor 6B; plus strand). Cytogenetic location: 22q13.1.
Variant type: single nucleotide variant.
Coding change: c.339G>A on transcript NM_001162501.2 (MANE Select); coding-DNA position 339, G replaced by A.
Protein change: p.Pro113=; no amino-acid change (proline 113 retained).
Molecular consequence: synonymous variant.
Genome position (GRCh38, 1-based): chr22:40,262,055, G>A. VCF-style: chr22-40262055-G-A. GRCh37 (hg19) VCF-style: chr22-40658059-G-A.
Other names: c.447G>A, p.Pro149= (NM_001024843.2); c.339G>A, p.Pro113= (NM_015088.3).
Identifiers: ClinVar variation 2653169 (VCV002653169.24), dbSNP rs376401713, ClinGen allele CA10246489.

ClinVar aggregate classification (germline): Likely benign (1 of 4 stars; one submission).

Allele frequency attached by ClinVar (database versions not stated): gnomAD 0.00002; TOPMed 0.00003; gnomAD exomes 0.00007; ExAC 0.00008; ESP Exome Variant Server 0.00024.
gnomAD v4.1: 102 of 1,591,132 alleles (0.0064%); highest among the groups gnomAD compares: Non-Finnish European, 0.008%; no homozygotes.

Submission:

CeGaT Center for Human Genetics Tuebingen
Classification: Likely benign. Last evaluated: 2023-09-01. Review status: criteria provided, single submitter. Criteria: CeGaT Center For Human Genetics Tuebingen Variant Classification Criteria Version 2. Collection method: clinical testing. Allele origin: germline. Affected: yes. Observed: 1 variant allele.
Comment: TNRC6B: BP4, BP7